The following is an entry in ClinVar:

ClinVar aggregate classification (germline): Uncertain significance (1 of 4 stars; one submission).

Conditions:
Gorlin syndrome. Also called: Basal cell nevus syndrome; Nevoid Basal Cell Carcinoma Syndrome. Identifiers: Orphanet 377, MedGen C0004779, MONDO:0007187.

gnomAD v4.1: 3 of 1,614,052 alleles (0.00019%); highest among the groups gnomAD compares: East Asian, 0.0022%; no homozygotes.

Submission:

Labcorp Genetics (formerly Invitae), Labcorp
Classification: Uncertain significance for Gorlin syndrome. Last evaluated: 2024-11-10. Review status: criteria provided, single submitter. Criteria: Invitae Variant Classification Sherloc (09022015). Collection method: clinical testing. Allele origin: germline.
Comment: This sequence change replaces proline, which is neutral and non-polar, with arginine, which is basic and polar, at codon 881 of the PTCH2 protein (p.Pro881Arg). This variant is present in population databases (rs377325413, gnomAD 0.006%). This variant has not been reported in the literature in individuals affected with PTCH2-related conditions. ClinVar contains an entry for this variant (Variation ID: 2087968). Invitae Evidence Modeling of protein sequence and biophysical properties (such as structural, functional, and spatial information, amino acid conservation, physicochemical variation, residue mobility, and thermodynamic stability) indicates that this missense variant is not expected to disrupt PTCH2 protein function with a negative predictive value of 80%. In summary, the available evidence is currently insufficient to determine the role of this variant in disease. Therefore, it has been classified as a Variant of Uncertain Significance.

NM_003738.5(PTCH2):c.2642C>G (p.Pro881Arg)

Gene: PTCH2 (patched 2; minus strand). Cytogenetic location: 1p34.1.
Variant type: single nucleotide variant.
Coding change: c.2642C>G on transcript NM_003738.5 (MANE Select); coding-DNA position 2642, C replaced by G.
Protein change: p.Pro881Arg; replaces proline 881 with arginine.
Molecular consequence: missense variant.
Genome position (GRCh38, 1-based): chr1:44,826,955, G>C on the plus strand (C>G on the coding strand, the complement: PTCH2 is on the minus strand). VCF-style: chr1-44826955-G-C. GRCh37 (hg19) VCF-style: chr1-45292627-G-C.
Other names: c.2642C>G, p.Pro881Arg (NM_001166292.2); short protein forms P881R.
Identifiers: ClinVar variation 2087968 (VCV002087968.4), dbSNP rs377325413, ClinGen allele CA822948.